The following is an entry in ClinVar:

ClinVar aggregate classification (germline): Uncertain significance (1 of 4 stars; one submission).

Conditions:
Intellectual developmental disorder, autosomal dominant 1. Also called: MBD5 Haploinsufficiency; Intellectual disability, autosomal dominant 1. Identifiers: Orphanet 228402, MedGen C1969562, MONDO:0007974, OMIM 156200.

Allele frequency attached by ClinVar (database versions not stated): gnomAD exomes below 0.00001; gnomAD 0.00001; TOPMed 0.00001.
gnomAD v4.1: 9 of 1,614,076 alleles (0.00056%); highest among the groups gnomAD compares: Non-Finnish European, 0.00059%; no homozygotes.

Submission:

Labcorp Genetics (formerly Invitae), Labcorp
Classification: Uncertain significance for Intellectual developmental disorder, autosomal dominant 1. Last evaluated: 2024-01-24. Review status: criteria provided, single submitter. Criteria: Invitae Variant Classification Sherloc (09022015). Collection method: clinical testing. Allele origin: germline.
Comment: This sequence change replaces phenylalanine, which is neutral and non-polar, with leucine, which is neutral and non-polar, at codon 1383 of the MBD5 protein (p.Phe1383Leu). This variant is present in population databases (no rsID available, gnomAD 0.0009%). This variant has not been reported in the literature in individuals affected with MBD5-related conditions. Experimental studies and prediction algorithms are not available or were not evaluated, and the functional significance of this variant is currently unknown. In summary, the available evidence is currently insufficient to determine the role of this variant in disease. Therefore, it has been classified as a Variant of Uncertain Significance.

NM_001378120.1(MBD5):c.4848C>G (p.Phe1616Leu)

Gene: MBD5 (methyl-CpG binding domain protein 5; plus strand). Cytogenetic location: 2q23.1.
Variant type: single nucleotide variant.
Coding change: c.4848C>G on transcript NM_001378120.1 (MANE Select); coding-DNA position 4848, C replaced by G.
Protein change: p.Phe1616Leu; replaces phenylalanine 1616 with leucine.
Molecular consequence: missense variant.
Genome position (GRCh38, 1-based): chr2:148,490,480, C>G. VCF-style: chr2-148490480-C-G. GRCh37 (hg19) VCF-style: chr2-149248049-C-G.
Other names: c.4149C>G, p.Phe1383Leu (NM_018328.5); short protein forms F1383L, F1616L.
Identifiers: ClinVar variation 2850766 (VCV002850766.3), dbSNP rs368517911, ClinGen allele CA57597414.